The following is an entry in ClinVar:

ClinVar aggregate classification (germline): Uncertain significance. Review status: criteria provided, multiple submitters, no conflicts (2 of 4 stars). 3 submissions from 3 submitters: Uncertain significance (3). Last evaluated 2025-02-13.

Conditions:
Autoinflammatory syndrome. Identifiers: Orphanet 93665, MedGen C3890737, MONDO:0019751.
Familial cold autoinflammatory syndrome 2 (FCAS2). Identifiers: Orphanet 247868, MedGen C2673198, MONDO:0012724, OMIM 611762.

Allele frequency attached by ClinVar (database versions not stated): ExAC 0.00002; gnomAD exomes 0.00002; gnomAD 0.00007 and 0.00008; TOPMed 0.00007; ESP Exome Variant Server 0.00015.

Submissions (3):

Labcorp Genetics (formerly Invitae), Labcorp
Classification: Uncertain significance for Familial cold autoinflammatory syndrome 2. Last evaluated: 2025-02-13. Review status: criteria provided, single submitter. Criteria: Invitae Variant Classification Sherloc (09022015). Collection method: clinical testing. Allele origin: germline.
Comment: This sequence change replaces aspartic acid, which is acidic and polar, with asparagine, which is neutral and polar, at codon 952 of the NLRP12 protein (p.Asp952Asn). This variant is present in population databases (rs140792345, gnomAD 0.02%). This variant has not been reported in the literature in individuals affected with NLRP12-related conditions. ClinVar contains an entry for this variant (Variation ID: 659495). An algorithm developed to predict the effect of missense changes on protein structure and function (PolyPhen-2) suggests that this variant is likely to be tolerated. In summary, the available evidence is currently insufficient to determine the role of this variant in disease. Therefore, it has been classified as a Variant of Uncertain Significance.

Blueprint Genetics
Classification: Uncertain significance. Last evaluated: 2024-09-13. Review status: criteria provided, single submitter. Criteria: ACMG Guidelines, 2015. Collection method: clinical testing. Allele origin: germline.

Genome Diagnostics Laboratory, The Hospital for Sick Children
Classification: Uncertain significance for Autoinflammatory syndrome. Last evaluated: 2019-12-01. Review status: criteria provided, single submitter. Criteria: ACMG Guidelines, 2015. Collection method: clinical testing. Allele origin: germline. Affected: yes.

NM_144687.4(NLRP12):c.2854G>A (p.Asp952Asn)

Gene: NLRP12 (NLR family pyrin domain containing 12; minus strand). Cytogenetic location: 19q13.42.
Variant type: single nucleotide variant.
Coding change: c.2854G>A on transcript NM_144687.4 (MANE Select); coding-DNA position 2854, G replaced by A.
Protein change: p.Asp952Asn; replaces aspartic acid 952 with asparagine.
Molecular consequence: missense variant. On other transcripts: intron variant (1).
Genome position (GRCh38, 1-based): chr19:53,798,316, C>T on the plus strand (G>A on the coding strand, the complement: NLRP12 is on the minus strand). VCF-style: chr19-53798316-C-T. GRCh37 (hg19) VCF-style: chr19-54301570-C-T.
Other names: c.2857G>A, p.Asp953Asn (NM_001277126.2); c.2757-2287G>A (NM_001277129.1); short protein forms D952N, D953N.
Identifiers: ClinVar variation 659495 (VCV000659495.12), dbSNP rs140792345, ClinGen allele CA9638882.